The following is an entry in ClinVar:

NM_004006.3(DMD):c.24G>C (p.Glu8Asp)

Gene: DMD (dystrophin; minus strand). Cytogenetic location: Xp21.1.
Variant type: single nucleotide variant.
Coding change: c.24G>C on transcript NM_004006.3 (MANE Select); coding-DNA position 24, G replaced by C.
Protein change: p.Glu8Asp; replaces glutamic acid 8 with aspartic acid.
Molecular consequence: missense variant. On other transcripts: intron variant (1).
Genome position (GRCh38, 1-based): chrX:33,211,289, C>G on the plus strand (G>C on the coding strand, the complement: DMD is on the minus strand). VCF-style: chrX-33211289-C-G. GRCh37 (hg19) VCF-style: chrX-33229406-C-G.
Other names: c.7+127970G>C (NM_000109.4); short protein forms E8D.
Identifiers: ClinVar variation 1500579 (VCV001500579.7), dbSNP rs1330369801, ClinGen allele CA412675118.
Genomic context (GRCh38, chrX:33,211,289, plus strand): 5'-CAAACTAAACGTTATGCCACAGTAAAATATATTTTTAGTTACTTTGTACTTACAACAGTC[C>G]TCTACTTCTTCCCACCAAAGCATTTTGAAAAGTGTATATCAAGGCAGCGATAAAAAAAAC-3'
Protein context (NP_003997.2, residues 1-18): MLWWEEV[Glu8Asp]DCYEREDVQK

ClinVar aggregate classification (germline): Uncertain significance. Review status: criteria provided, multiple submitters, no conflicts (2 of 4 stars). 2 submissions from 2 submitters: Uncertain significance (2). Last evaluated 2025-12-22.

Conditions:
Duchenne muscular dystrophy (DMD). Also called: Duchenne Muscular Dystrophy (DMD); MUSCULAR DYSTROPHY, PSEUDOHYPERTROPHIC PROGRESSIVE, DUCHENNE TYPE. Identifiers: Orphanet 98896, MedGen C0013264, MONDO:0010679, OMIM 310200.

Submissions (2):

Women's Health and Genetics/Laboratory Corporation of America, LabCorp
Classification: Uncertain significance. Last evaluated: 2025-12-22. Review status: criteria provided, single submitter. Criteria: LabCorp Variant Classification Summary - May 2015. Collection method: clinical testing. Allele origin: germline.

Labcorp Genetics (formerly Invitae), Labcorp
Classification: Uncertain significance for Duchenne muscular dystrophy. Last evaluated: 2025-02-27. Review status: criteria provided, single submitter. Criteria: Invitae Variant Classification Sherloc (09022015). Collection method: clinical testing. Allele origin: germline.
Comment: This sequence change replaces glutamic acid, which is acidic and polar, with aspartic acid, which is acidic and polar, at codon 8 of the DMD protein (p.Glu8Asp). The frequency data for this variant in the population databases is considered unreliable, as metrics indicate poor data quality at this position in the gnomAD database. This variant has not been reported in the literature in individuals affected with DMD-related conditions. ClinVar contains an entry for this variant (Variation ID: 1500579). Invitae Evidence Modeling of protein sequence and biophysical properties (such as structural, functional, and spatial information, amino acid conservation, physicochemical variation, residue mobility, and thermodynamic stability) indicates that this missense variant is not expected to disrupt DMD protein function with a negative predictive value of 95%. In summary, the available evidence is currently insufficient to determine the role of this variant in disease. Therefore, it has been classified as a Variant of Uncertain Significance.